The following is an entry in ClinVar:

ClinVar aggregate classification (germline): Likely pathogenic (3 of 4 stars; one submission).

Conditions:
Phenylketonuria (PKU). Also called: OLIGOPHRENIA PHENYLPYRUVICA; Phenylketonurias; Phenylketonuria (PKU); FOLLING DISEASE. Identifiers: Orphanet 716, MedGen C0031485, MONDO:0009861, OMIM 261600. Disease mechanism: loss of function.

Submission:

ClinGen PAH Variant Curation Expert Panel
Classification: Likely pathogenic for Phenylketonuria. Last evaluated: 2020-03-26. Review status: reviewed by expert panel. Criteria: ClinGen PAH ACMG Specifications v1. Collection method: curation. Allele origin: germline. Inheritance: Autosomal recessive inheritance.
Comment: The c.1118C>A (p.Ala373Asp) variant in PAH is absent from population databases (PM2). A deleterious effect is predicted in SIFT, PolyPhen-2, MutationTaster, and REVEL = 0.958 (PP3). The variant was detected with R158Q, pathogenic in ClinVar, phase unknown (PM3_Supporting). Variant was detected in patient with HPA defined as excessive blood levels (>120â€‰micromol/l) of phenylalanine (BH4 deficiency ruled out; PP4_Moderate; PMID: 23942198). In summary, this variant meets criteria to be classified as likely pathogenic for PAH. PAH-specific ACMG/AMP criteria applied: PM2, PP4_Moderate, PP3, PM3_Supporting.

Literature cited by the submitters: PubMed 23942198.

NM_000277.3(PAH):c.1118C>A (p.Ala373Asp)

Gene: PAH (phenylalanine hydroxylase; minus strand). Cytogenetic location: 12q23.2.
Variant type: single nucleotide variant.
Coding change: c.1118C>A on transcript NM_000277.3 (MANE Select); coding-DNA position 1118, C replaced by A.
Protein change: p.Ala373Asp; replaces alanine 373 with aspartic acid.
Molecular consequence: missense variant.
Genome position (GRCh38, 1-based): chr12:102,843,727, G>T on the plus strand (C>A on the coding strand, the complement: PAH is on the minus strand). VCF-style: chr12-102843727-G-T. GRCh37 (hg19) VCF-style: chr12-103237505-G-T.
Other names: c.1118C>A, p.Ala373Asp (NM_001354304.2); short protein forms A373D.
Identifiers: ClinVar variation 932260 (VCV000932260.1), dbSNP rs1874694965, ClinGen allele CA16020943.